The following is an entry in ClinVar:

NM_001164508.2(NEB):c.11177G>A (p.Ser3726Asn)

Gene: NEB (nebulin; minus strand). Cytogenetic location: 2q23.3.
Variant type: single nucleotide variant.
Coding change: c.11177G>A on transcript NM_001164508.2 (MANE Select); coding-DNA position 11177, G replaced by A.
Protein change: p.Ser3726Asn; replaces serine 3726 with asparagine.
Molecular consequence: missense variant.
Genome position (GRCh38, 1-based): chr2:151,617,368, C>T on the plus strand (G>A on the coding strand, the complement: NEB is on the minus strand). VCF-style: chr2-151617368-C-T. GRCh37 (hg19) VCF-style: chr2-152473882-C-T.
Other names: c.11177G>A, p.Ser3726Asn (NM_001164507.2, NM_001271208.2); c.10448G>A, p.Ser3483Asn (NM_004543.5); short protein forms S3483N, S3726N.
Identifiers: ClinVar variation 1926395 (VCV001926395.2), dbSNP rs2552231433, ClinGen allele CA348784745.

ClinVar aggregate classification (germline): Uncertain significance (1 of 4 stars; one submission).

Conditions:
Nemaline myopathy 2 (NEM2). Also called: Nemaline myopathy 2, autosomal recessive. Identifiers: MedGen C1850569, MONDO:0009725, OMIM 256030.

Submission:

Labcorp Genetics (formerly Invitae), Labcorp
Classification: Uncertain significance for Nemaline myopathy 2. Last evaluated: 2021-01-29. Review status: criteria provided, single submitter. Criteria: Invitae Variant Classification Sherloc (09022015). Collection method: clinical testing. Allele origin: germline.
Comment: This sequence change replaces serine with asparagine at codon 3726 of the NEB protein (p.Ser3726Asn). The serine residue is moderately conserved and there is a small physicochemical difference between serine and asparagine. This variant is not present in population databases (ExAC no frequency). This variant has not been reported in the literature in individuals with NEB-related conditions. Algorithms developed to predict the effect of missense changes on protein structure and function are either unavailable or do not agree on the potential impact of this missense change (SIFT: "Deleterious"; PolyPhen-2: "Not Available"; Align-GVGD: "Class C0"). In summary, the available evidence is currently insufficient to determine the role of this variant in disease. Therefore, it has been classified as a Variant of Uncertain Significance.